The following is an entry in ClinVar:

ClinVar aggregate classification (germline): Uncertain significance. Review status: criteria provided, multiple submitters, no conflicts (2 of 4 stars). 2 submissions from 2 submitters: Uncertain significance (2). Last evaluated 2025-08-10.

Allele frequency attached by ClinVar (database versions not stated): gnomAD exomes 0.00006; ExAC 0.00014; gnomAD 0.00040; TOPMed 0.00042; ESP Exome Variant Server 0.00046; 1000 Genomes Project 0.00060; 1000 Genomes Project 30x 0.00078.
gnomAD v4.1: 151 of 1,614,128 alleles (0.0094%); highest among the groups gnomAD compares: African/African-American, 0.16%; no homozygotes.

Submissions (2):

Labcorp Genetics (formerly Invitae), Labcorp
Classification: Uncertain significance. Last evaluated: 2025-08-10. Review status: criteria provided, single submitter. Criteria: Invitae Variant Classification Sherloc (09022015). Collection method: clinical testing. Allele origin: germline.
Comment: This sequence change replaces arginine, which is basic and polar, with tryptophan, which is neutral and slightly polar, at codon 702 of the DHX37 protein (p.Arg702Trp). This variant is present in population databases (rs114212811, gnomAD 0.2%). This variant has not been reported in the literature in individuals affected with DHX37-related conditions. ClinVar contains an entry for this variant (Variation ID: 2059434). Invitae Evidence Modeling of protein sequence and biophysical properties (such as structural, functional, and spatial information, amino acid conservation, physicochemical variation, residue mobility, and thermodynamic stability) indicates that this missense variant is expected to disrupt DHX37 protein function with a positive predictive value of 80%. In summary, the available evidence is currently insufficient to determine the role of this variant in disease. Therefore, it has been classified as a Variant of Uncertain Significance.

GeneDx
Classification: Uncertain significance. Last evaluated: 2024-12-02. Review status: criteria provided, single submitter. Criteria: GeneDx Variant Classification Process June 2021. Collection method: clinical testing. Allele origin: germline. Affected: yes.
Comment: In silico analysis supports that this missense variant has a deleterious effect on protein structure/function; Has not been previously published as pathogenic or benign to our knowledge

NM_032656.4(DHX37):c.2104C>T (p.Arg702Trp)

Gene: DHX37 (DEAH-box helicase 37; minus strand). Cytogenetic location: 12q24.31.
Variant type: single nucleotide variant.
Coding change: c.2104C>T on transcript NM_032656.4 (MANE Select); coding-DNA position 2104, C replaced by T.
Protein change: p.Arg702Trp; replaces arginine 702 with tryptophan.
Molecular consequence: missense variant.
Genome position (GRCh38, 1-based): chr12:124,960,365, G>A on the plus strand (C>T on the coding strand, the complement: DHX37 is on the minus strand). VCF-style: chr12-124960365-G-A. GRCh37 (hg19) VCF-style: chr12-125444911-G-A.
Other names: c.2104C>T (NM_032656.3); short protein forms R702W.
Identifiers: ClinVar variation 2059434 (VCV002059434.5), dbSNP rs114212811, ClinGen allele CA6871770.